The following is an entry in ClinVar:

NM_000313.4(PROS1):c.664G>A (p.Gly222Arg)

Gene: PROS1 (protein S; minus strand). Cytogenetic location: 3q11.1.
Variant type: single nucleotide variant.
Coding change: c.664G>A on transcript NM_000313.4 (MANE Select); coding-DNA position 664, G replaced by A.
Protein change: p.Gly222Arg; replaces glycine 222 with arginine.
Molecular consequence: missense variant.
Genome position (GRCh38, 1-based): chr3:93,900,867, C>T on the plus strand (G>A on the coding strand, the complement: PROS1 is on the minus strand). VCF-style: chr3-93900867-C-T. GRCh37 (hg19) VCF-style: chr3-93619711-C-T.
Other names: p.Gly222Arg; c.760G>A, p.Gly254Arg (NM_001314077.2); short protein forms G222R, G254R.
Identifiers: ClinVar variation 3380976 (VCV003380976.2).

ClinVar aggregate classification (germline): Conflicting classifications of pathogenicity. Review status: criteria provided, conflicting classifications (1 of 4 stars). 2 submissions from 2 submitters: Likely pathogenic (1); Uncertain significance (1). Last evaluated 2024-11-17.

Submissions (2):

GeneDx
Classification: Uncertain significance. Last evaluated: 2024-11-17. Review status: criteria provided, single submitter. Criteria: GeneDx Variant Classification Process June 2021. Collection method: clinical testing. Allele origin: germline. Affected: yes.
Comment: Not observed at significant frequency in large population cohorts (gnomAD); In silico analysis supports that this missense variant has a deleterious effect on protein structure/function; This variant is associated with the following publications: (PMID: 34496879, 34224431, 31743498)

Mayo Clinic Laboratories, Mayo Clinic
Classification: Likely pathogenic. Last evaluated: 2024-01-29. Review status: criteria provided, single submitter. Criteria: ACMG Guidelines, 2015. Collection method: clinical testing. Allele origin: germline. Observed: 1 variant allele.
Comment: PP3, PM1_supporting, PM2_moderate, PM3_supporting, PS4_moderate

Literature cited by the submitters: PubMed 31743498 (cited by Mayo Clinic Laboratories, Mayo Clinic).